The following is an entry in ClinVar:

ClinVar aggregate classification (germline): Likely benign (1 of 4 stars; one submission).

Conditions:
Glycogen storage disease, type II (IOPD). Also called: Pompe Disease; CARDIOMEGALIA GLYCOGENICA DIFFUSA; GLYCOGENOSIS, GENERALIZED, CARDIAC FORM; GSD II; POMPE DISEASE, INFANTILE-ONSET; GLYCOGEN STORAGE DISEASE II, INFANTILE-ONSET. Identifiers: Orphanet 365, MedGen C0017921, MONDO:0009290, OMIM 232300.

Submission:

Genomenon, Inc
Classification: Likely benign for Glycogen storage disease, type II. Last evaluated: 2026-07-01. Review status: criteria provided, single submitter. Criteria: Genomenon Sequence Variant Interpretation Standards - Updated. Collection method: curation. Allele origin: germline. Affected: no.
Comment: GAA c.693-441C>G is an intronic variant located in intron 3. This variant has been reported in the published literature (PMID:33560568). It is absent or not present at a significant frequency in gnomAD. This variant is not predicted to impact splicing. In conclusion, we classify GAA c.693-441C>G as a likely benign variant.

Literature cited by the submitters: PubMed 33560568.

NM_000152.5(GAA):c.693-441C>G

Gene: GAA (alpha glucosidase; plus strand). Cytogenetic location: 17q25.3.
Variant type: single nucleotide variant.
Coding change: c.693-441C>G on transcript NM_000152.5 (MANE Select); 441 bases into the intron before coding-DNA position 693, C replaced by G.
Molecular consequence: intron variant.
Genome position (GRCh38, 1-based): chr17:80,107,116, C>G. VCF-style: chr17-80107116-C-G. GRCh37 (hg19) VCF-style: chr17-78080915-C-G.
Other names: c.693-441C>G (NM_001406741.1, NM_001406742.1, NM_001079803.3 and 1 more transcripts).
Identifiers: ClinVar variation 4876418 (VCV004876418.1).
Genomic context (GRCh38, chr17:80,107,116, plus strand): 5'-TGTGGACCGGGTTTATCTGCGGCTTTCATTTCTCGGAGGTGCTGTTTGCCTTGCACTTGA[C>G]CCCCAGCAAACCTCAGGGGTCCTTCTCAGGCATGGCTGGGCTGGGATCTGGGAGGACTTT-3'